The following is an entry in ClinVar:

NM_003072.5(SMARCA4):c.3081+4G>A

Gene: SMARCA4 (SWI/SNF related BAF chromatin remodeling complex subunit ATPase 4; plus strand). Cytogenetic location: 19p13.2.
Variant type: single nucleotide variant.
Coding change: c.3081+4G>A on transcript NM_003072.5 (MANE Select); 4 bases into the intron after coding-DNA position 3081, G replaced by A.
Molecular consequence: intron variant.
Genome position (GRCh38, 1-based): chr19:11,024,442, G>A. VCF-style: chr19-11024442-G-A. GRCh37 (hg19) VCF-style: chr19-11135118-G-A.
Other names: c.3081+4G>A (NM_001128844.3, NM_001128849.3, NM_001128847.4 and 6 more transcripts).
Identifiers: ClinVar variation 2833137 (VCV002833137.3), dbSNP rs867024852, ClinGen allele CA305276211.

ClinVar aggregate classification (germline): Uncertain significance (1 of 4 stars; one submission).

Conditions:
Rhabdoid tumor predisposition syndrome 2 (RTPS2). Identifiers: Orphanet 231108, Orphanet 69077, MedGen C2750074, MONDO:0013224, OMIM 613325.

Submission:

Labcorp Genetics (formerly Invitae), Labcorp
Classification: Uncertain significance for Rhabdoid tumor predisposition syndrome 2. Last evaluated: 2023-08-11. Review status: criteria provided, single submitter. Criteria: Invitae Variant Classification Sherloc (09022015). Collection method: clinical testing. Allele origin: germline.
Comment: In summary, the available evidence is currently insufficient to determine the role of this variant in disease. Therefore, it has been classified as a Variant of Uncertain Significance. Variants that disrupt the consensus splice site are a relatively common cause of aberrant splicing (PMID: 17576681, 9536098). Algorithms developed to predict the effect of sequence changes on RNA splicing suggest that this variant is not likely to affect RNA splicing. This variant has not been reported in the literature in individuals affected with SMARCA4-related conditions. This variant is not present in population databases (gnomAD no frequency). This sequence change falls in intron 21 of the SMARCA4 gene. It does not directly change the encoded amino acid sequence of the SMARCA4 protein. It affects a nucleotide within the consensus splice site.

Literature cited by the submitters: PubMed 17576681; PubMed 9536098.